The following is an entry in ClinVar:

NM_000179.3(MSH6):c.3874G>A (p.Gly1292Arg)

Gene: MSH6 (mutS homolog 6; plus strand). Cytogenetic location: 2p16.3.
Variant type: single nucleotide variant.
Coding change: c.3874G>A on transcript NM_000179.3 (MANE Select); coding-DNA position 3874, G replaced by A.
Protein change: p.Gly1292Arg; replaces glycine 1292 with arginine.
Molecular consequence: missense variant.
Genome position (GRCh38, 1-based): chr2:47,806,524, G>A. VCF-style: chr2-47806524-G-A. GRCh37 (hg19) VCF-style: chr2-48033663-G-A.
Other names: c.3874G>A (NM_000179.2); c.3484G>A, p.Gly1162Arg (NM_001281492.2); c.2968G>A, p.Gly990Arg (NM_001281493.2, NM_001281494.2); short protein forms G1162R, G1292R, G990R.
Identifiers: ClinVar variation 1046250 (VCV001046250.12), dbSNP rs1670110414, ClinGen allele CA346761365.
Genomic context (GRCh38, chr2:47,806,524, plus strand): 5'-GAAAATGAATGTGAAGACCCCAGCCAGGAGACTATTACGTTCCTCTATAAATTCATTAAG[G>A]GAGCTTGTCCTAAAAGCTATGGCTTTAATGCAGCAAGGCTTGCTAATCTCCCAGAGGAAG-3'
Protein context (NP_000170.1, residues 1282-1302): TITFLYKFIK[Gly1292Arg]ACPKSYGFNA

ClinVar aggregate classification (germline): Uncertain significance. Review status: criteria provided, multiple submitters, no conflicts (2 of 4 stars). 4 submissions from 4 submitters: Uncertain significance (4). Last evaluated 2026-05-28.

Conditions:
Inherited prostate cancer.
Hereditary nonpolyposis colorectal neoplasms. Identifiers: MedGen C0009405, MeSH D003123.
Hereditary cancer-predisposing syndrome. Also called: Hereditary Cancer Syndrome; Tumor predisposition; Hereditary neoplastic syndrome; Neoplastic Syndromes, Hereditary. Identifiers: Orphanet 140162, MedGen C0027672, MeSH D009386, MONDO:0015356.

Allele frequency attached by ClinVar (database versions not stated): gnomAD exomes below 0.00001.
gnomAD v4.1: 2 of 1,613,912 alleles (0.00012%); highest among the groups gnomAD compares: Non-Finnish European, 0.00017%; no homozygotes.

Submissions (4):

Genetics Laboratory, Great Ormond Street Hospital NHS Foundation Trust, North Thames Genomic Laboratory Hub
Classification: Uncertain significance for Inherited prostate cancer. Last evaluated: 2026-05-28. Review status: criteria provided, single submitter. Criteria: CanVIG MMR Gene Specific V1.7. Collection method: clinical testing. Allele origin: germline. Affected: yes.
Comment: PM2_supporting, PP3_moderate, PP4_supporting

Labcorp Genetics (formerly Invitae), Labcorp
Classification: Uncertain significance for Hereditary nonpolyposis colorectal neoplasms. Last evaluated: 2025-03-30. Review status: criteria provided, single submitter. Criteria: Invitae Variant Classification Sherloc (09022015). Collection method: clinical testing. Allele origin: germline.
Comment: This sequence change replaces glycine, which is neutral and non-polar, with arginine, which is basic and polar, at codon 1292 of the MSH6 protein (p.Gly1292Arg). This variant is not present in population databases (gnomAD no frequency). This variant has not been reported in the literature in individuals affected with MSH6-related conditions. ClinVar contains an entry for this variant (Variation ID: 1046250). Invitae Evidence Modeling of protein sequence and biophysical properties (such as structural, functional, and spatial information, amino acid conservation, physicochemical variation, residue mobility, and thermodynamic stability) has been performed for this missense variant. However, the output from this modeling did not meet the statistical confidence thresholds required to predict the impact of this variant on MSH6 protein function. In summary, the available evidence is currently insufficient to determine the role of this variant in disease. Therefore, it has been classified as a Variant of Uncertain Significance.

Ambry Genetics
Classification: Uncertain significance for Hereditary cancer-predisposing syndrome. Last evaluated: 2024-11-05. Review status: criteria provided, single submitter. Criteria: Ambry Variant Classification Scheme 2023. Collection method: clinical testing. Allele origin: germline.
Comment: The p.G1292R variant (also known as c.3874G>A), located in coding exon 9 of the MSH6 gene, results from a G to A substitution at nucleotide position 3874. The glycine at codon 1292 is replaced by arginine, an amino acid with dissimilar properties. This amino acid position is highly conserved in available vertebrate species. In addition, this alteration is predicted to be deleterious by in silico analysis. Based on the available evidence, the clinical significance of this variant remains unclear.

Blueprint Genetics
Classification: Uncertain significance. Last evaluated: 2023-05-15. Review status: criteria provided, single submitter. Criteria: ACMG Guidelines, 2015. Collection method: clinical testing. Allele origin: germline.